The following is an entry in ClinVar:

ClinVar aggregate classification (germline): other (0 of 4 stars; one submission).

Conditions:
Familial colorectal cancer. Identifiers: MedGen CN280943, MONDO:0023113. Disease mechanism: loss of function.

Allele frequency attached by ClinVar (database versions not stated): TOPMed 0.00001.

Submission:

Systems Biology Platform Zhejiang California International NanoSystems Institute
Classification: other for Familial colorectal cancer. Review status: no assertion criteria provided. Collection method: not provided. Allele origin: unknown.
ClinVar note: Converted during submission from cancer to other.

NM_000038.6(APC):c.136-5501T>C

Gene: APC (APC regulator of WNT signaling pathway; plus strand). Cytogenetic location: 5q22.2.
Variant type: single nucleotide variant.
Coding change: c.136-5501T>C on transcript NM_000038.6 (MANE Select); 5501 bases into the intron before coding-DNA position 136, T replaced by C.
Molecular consequence: intron variant.
Genome position (GRCh38, 1-based): chr5:112,760,825, T>C. VCF-style: chr5-112760825-T-C. GRCh37 (hg19) VCF-style: chr5-112096522-T-C.
Other names: c.136-5501T>C (NM_001354895.2, NM_001127510.3, NM_001354896.2 and 2 more transcripts); c.166-5501T>C (NM_001354897.2, NM_001354902.2, NM_001127511.3); c.61-5501T>C (NM_001354898.2, NM_001354904.2); c.-900-5501T>C (NM_001354906.2); c.-42-5501T>C (NM_001354900.2, NM_001354901.2, NM_001354905.2).
Identifiers: ClinVar variation 82837 (VCV000082837.2), dbSNP rs78604264, ClinGen allele CA004837.
Genomic context (GRCh38, chr5:112,760,825, plus strand): 5'-CCAAACCAGTTAGTTGTGAACTTAAAATTGCAACTAGGTCTCAATCCATTTTTTTTTTTT[T>C]TCAAGACAGAGTCTCGCTCTGTCGCCCAGTCTGGAGTGCAGTGGCACAGTCTTGGCTCAC-3'